The following is an entry in ClinVar:

ClinVar aggregate classification (germline): Pathogenic. Review status: criteria provided, single submitter (1 of 4 stars). 2 submissions from 2 submitters: Pathogenic (1). 1 of the submissions does not count toward it. Last evaluated 2025-03-10.

Conditions:
Osteogenesis imperfecta type I (OI1). Also called: Lobstein disease; Classic Non-deforming Osteogenesis Imperfecta with Blue Sclerae; Lobstein's Disease; OI, TYPE I; OSTEOGENESIS IMPERFECTA TARDA; OSTEOGENESIS IMPERFECTA WITH BLUE SCLERAE. Identifiers: Orphanet 216796, Orphanet 666, MedGen C0023931, MONDO:0008146, OMIM 166200. Disease mechanism: loss of function.

Allele frequency attached by ClinVar (database versions not stated): ExAC 0.00001.

Submissions (2):

GeneDx
Classification: Pathogenic. Last evaluated: 2025-03-10. Review status: criteria provided, single submitter. Criteria: GeneDx Variant Classification Process June 2021. Collection method: clinical testing. Allele origin: germline.
Comment: Variant reported as maternally inherited in a retrospective study of women who received cell free fetal DNA testing for single gene disorders. No clinical information was provided for the fetus or mother (PMID: 34358384); Not observed at significant frequency in large population cohorts (gnomAD); In silico analysis supports that this missense variant has a deleterious effect on protein structure/function; Occurs in the triple helical domain and replaces a glycine in a canonical Gly-X-Y repeat; missense substitution of a canonical glycine residue is expected to disrupt normal protein folding and function, and this is an established mechanism of disease (PMID: 34007986); This variant is associated with the following publications: (PMID: 34358384, 34007986)

Institute of Human Genetics, Cologne University
Classification: Pathogenic for Osteogenesis imperfecta type I. Review status: no assertion criteria provided. Collection method: clinical testing. Allele origin: unknown. Inheritance: Autosomal dominant inheritance. Affected: yes. Observed: 1 variant allele, 1 heterozygote. Not counted in ClinVar's aggregate classification.

NM_000088.4(COL1A1):c.2641G>A (p.Gly881Ser)

Gene: COL1A1 (collagen type I alpha 1 chain; minus strand). Cytogenetic location: 17q21.33.
Variant type: single nucleotide variant.
Coding change: c.2641G>A on transcript NM_000088.4 (MANE Select); coding-DNA position 2641, G replaced by A.
Protein change: p.Gly881Ser; replaces glycine 881 with serine.
Molecular consequence: missense variant.
Genome position (GRCh38, 1-based): chr17:50,189,705, C>T on the plus strand (G>A on the coding strand, the complement: COL1A1 is on the minus strand). VCF-style: chr17-50189705-C-T. GRCh37 (hg19) VCF-style: chr17-48267066-C-T.
Other names: short protein forms G881S.
Identifiers: ClinVar variation 430640 (VCV000430640.3), dbSNP rs765659555, ClinGen allele CA8644716.
Genomic context (GRCh38, chr17:50,189,705, plus strand): 5'-ACCTAGAGCAGTGGACTCTGCTGCAGAGACTTACAGAGGGGCCAGGAGGACCGACTCGGC[C>T]AGCAGCACCAGGGAAACCAGTAGCACCCTGGAAGGAGAGAACATAGGAACAGTCAGAGGG-3'
Protein context (NP_000079.2, residues 871-891): PGATGFPGAA[Gly881Ser]RVGPPGPSGN